The following is an entry in ClinVar:

ClinVar aggregate classification (germline): Pathogenic. Review status: criteria provided, single submitter (1 of 4 stars). 2 submissions from 2 submitters: Pathogenic (1). 1 of the submissions does not count toward it.

Conditions:
Hypertrophic osteoarthropathy, primary, autosomal recessive, 2 (PHOAR2E). Also called: PACHYDERMOPERIOSTOSIS, AUTOSOMAL RECESSIVE; PDP, AUTOSOMAL RECESSIVE; HYPERTROPHIC OSTEOARTHROPATHY, PRIMARY, AUTOSOMAL RECESSIVE, 2/ENTEROPATHY SYNDROME; PHOAR2-enteropathy syndrome. Identifiers: Orphanet 2796, MedGen C3280800, MONDO:0013756, OMIM 614441.

Allele frequency attached by ClinVar (database versions not stated): ExAC 0.00001.

Submissions (2):

Juno Genomics, Hangzhou Juno Genomics, Inc
Classification: Pathogenic for Hypertrophic osteoarthropathy, primary, autosomal recessive, 2. Review status: criteria provided, single submitter. Criteria: ACMG Guidelines, 2015. Collection method: clinical testing. Allele origin: germline. Affected: yes.
Comment: Null variant in a gene where loss of function (LOF) is a known mechanism of disease.;Absent from controls (or at extremely low frequency if recessive) in Genome Aggregation Database, Exome Sequencing Project, 1000 Genomes Project, or Exome Aggregation Consortium.;For recessive disorders, detected in trans with a pathogenic variant.

OMIM
Classification: Pathogenic for PHOAR2-ENTEROPATHY SYNDROME. Last evaluated: 2024-02-13. Review status: no assertion criteria provided. Collection method: literature only. Allele origin: germline. Not counted in ClinVar's aggregate classification.

Literature cited by the submitters: PubMed 28425581 (cited by OMIM).

NM_005630.3(SLCO2A1):c.440G>A (p.Trp147Ter)

Gene: SLCO2A1 (solute carrier organic anion transporter family member 2A1; minus strand). Cytogenetic location: 3q22.1.
Variant type: single nucleotide variant.
Coding change: c.440G>A on transcript NM_005630.3 (MANE Select); coding-DNA position 440, G replaced by A.
Protein change: p.Trp147Ter; replaces tryptophan 147 with a stop codon.
Molecular consequence: nonsense.
Genome position (GRCh38, 1-based): chr3:133,955,151, C>T on the plus strand (G>A on the coding strand, the complement: SLCO2A1 is on the minus strand). VCF-style: chr3-133955151-C-T. GRCh37 (hg19) VCF-style: chr3-133673995-C-T.
Other names: short protein forms W147*.
Identifiers: ClinVar variation 2920737 (VCV002920737.4), dbSNP rs745477350, ClinGen allele CA2626817.